The following is an entry in ClinVar:

ClinVar aggregate classification (germline): Uncertain significance. Review status: criteria provided, multiple submitters, no conflicts (2 of 4 stars). 3 submissions from 3 submitters: Uncertain significance (3). Last evaluated 2024-10-22.

Conditions:
Familial steroid-resistant nephrotic syndrome with sensorineural deafness. Identifiers: Orphanet 280406, MedGen C3553349, MONDO:0013836, OMIM 614650.

Allele frequency attached by ClinVar (database versions not stated): TOPMed 0.00005; gnomAD 0.00007; ESP Exome Variant Server 0.00015.
gnomAD v4.1: 70 of 1,614,074 alleles (0.0043%); highest among the groups gnomAD compares: Non-Finnish European, 0.0053%; no homozygotes.

Submissions (3):

Labcorp Genetics (formerly Invitae), Labcorp
Classification: Uncertain significance. Last evaluated: 2024-10-22. Review status: criteria provided, single submitter. Criteria: Invitae Variant Classification Sherloc (09022015). Collection method: clinical testing. Allele origin: germline.
Comment: This sequence change replaces proline, which is neutral and non-polar, with leucine, which is neutral and non-polar, at codon 373 of the COQ6 protein (p.Pro373Leu). This variant is present in population databases (rs199869505, gnomAD 0.008%). This variant has not been reported in the literature in individuals affected with COQ6-related conditions. ClinVar contains an entry for this variant (Variation ID: 1693623). Invitae Evidence Modeling of protein sequence and biophysical properties (such as structural, functional, and spatial information, amino acid conservation, physicochemical variation, residue mobility, and thermodynamic stability) indicates that this missense variant is expected to disrupt COQ6 protein function with a positive predictive value of 80%. In summary, the available evidence is currently insufficient to determine the role of this variant in disease. Therefore, it has been classified as a Variant of Uncertain Significance.

Fulgent Genetics
Classification: Uncertain significance for Familial steroid-resistant nephrotic syndrome with sensorineural deafness. Last evaluated: 2024-02-03. Review status: criteria provided, single submitter. Criteria: ACMG Guidelines, 2015. Collection method: clinical testing. Allele origin: germline.

Mayo Clinic Laboratories, Mayo Clinic
Classification: Uncertain significance. Last evaluated: 2021-04-13. Review status: criteria provided, single submitter. Criteria: ACMG Guidelines, 2015. Collection method: clinical testing. Allele origin: germline.

NM_182476.3(COQ6):c.1118C>T (p.Pro373Leu)

Genes: COQ6 (coenzyme Q6, monooxygenase; plus strand), ENTPD5 (ectonucleoside triphosphate diphosphohydrolase 5; minus strand). Cytogenetic location: 14q24.3.
Variant type: single nucleotide variant.
Coding change: c.1118C>T on transcript NM_182476.3 (MANE Select); coding-DNA position 1118, C replaced by T.
Protein change: p.Pro373Leu; replaces proline 373 with leucine.
Molecular consequence: missense variant. On other transcripts: 3 prime UTR variant (1), intron variant (5).
Genome position (GRCh38, 1-based): chr14:73,961,478, C>T. VCF-style: chr14-73961478-C-T. GRCh37 (hg19) VCF-style: chr14-74428181-C-T.
Other names: p.Pro373Leu; c.1118C>T, p.Pro373Leu (NM_001425255.1); c.1010C>T, p.Pro337Leu (NM_001425256.1); c.953C>T, p.Pro318Leu (NM_001425257.1); c.935C>T, p.Pro312Leu (NM_001425258.1); c.893C>T, p.Pro298Leu (NM_001425259.1, NM_001425260.1, NM_001425261.1); c.863C>T, p.Pro288Leu (NM_001425262.1); c.791C>T, p.Pro264Leu (NM_001425263.1); and 6 more; short protein forms P348L, P373L.
Identifiers: ClinVar variation 1693623 (VCV001693623.9), dbSNP rs199869505, ClinGen allele CA7264459.
Genomic context (GRCh38, chr14:73,961,478, plus strand): 5'-TGCCAGAGGTCACACCTGAACTCTGCTTTATTCTTAGGGATGCAGCCCACAGAGTCCATC[C>T]GCTTGCAGGACAGGGTGTCAACATGGGCTTTGGGGATATCTCCAGCTTGGCCCATCACCT-3'
Protein context (NP_872282.1, residues 363-383): LIGDAAHRVH[Pro373Leu]LAGQGVNMGF